The following is an entry in ClinVar:

ClinVar aggregate classification (germline): Uncertain significance (1 of 4 stars; one submission).

Conditions:
Inborn genetic diseases. Identifiers: MedGen C0950123, MeSH D030342.

Submission:

Ambry Genetics
Classification: Uncertain significance for Inborn genetic diseases. Last evaluated: 2026-07-24. Review status: criteria provided, single submitter. Criteria: Ambry Variant Classification Scheme 2023. Collection method: clinical testing. Allele origin: germline.
Comment: The p.M451L variant (also known as c.1351A>T), located in coding exon 1 of the SAMD9L gene, results from an A to T substitution at nucleotide position 1351. The methionine at codon 451 is replaced by leucine, an amino acid with highly similar properties. This amino acid position is conserved. In addition, this alteration is predicted to be tolerated by in silico analysis. Based on the available evidence, the clinical significance of this variant remains unclear.

NM_152703.5(SAMD9L):c.1351A>T (p.Met451Leu)

Gene: SAMD9L (sterile alpha motif domain containing 9 like; minus strand). Cytogenetic location: 7q21.2.
Variant type: single nucleotide variant.
Coding change: c.1351A>T on transcript NM_152703.5 (MANE Select); coding-DNA position 1351, A replaced by T.
Protein change: p.Met451Leu; replaces methionine 451 with leucine.
Molecular consequence: missense variant.
Genome position (GRCh38, 1-based): chr7:93,134,621, T>A on the plus strand (A>T on the coding strand, the complement: SAMD9L is on the minus strand). VCF-style: chr7-93134621-T-A. GRCh37 (hg19) VCF-style: chr7-92763934-T-A.
Other names: c.1351A>T, p.Met451Leu (NM_001303496.3, NM_001303497.3, NM_001303498.3 and 5 more transcripts); short protein forms M451L.
Identifiers: ClinVar variation 5028908 (VCV005028908.1).